The following is an entry in ClinVar:

ClinVar aggregate classification (germline): Likely benign (1 of 4 stars; one submission).

Submission:

CeGaT Center for Human Genetics Tuebingen
Classification: Likely benign. Last evaluated: 2026-06-01. Review status: criteria provided, single submitter. Criteria: CeGaT Center For Human Genetics Tuebingen Variant Classification Criteria Version 2. Collection method: clinical testing. Allele origin: germline. Affected: yes. Observed: 4 variant alleles.
Comment: SETD1A: PM2:Supporting, BP4, BP7

NM_014712.3(SETD1A):c.417T>A (p.Arg139=)

Gene: SETD1A (SET domain containing 1A, histone lysine methyltransferase; plus strand). Cytogenetic location: 16p11.2.
Variant type: single nucleotide variant.
Coding change: c.417T>A on transcript NM_014712.3 (MANE Select); coding-DNA position 417, T replaced by A.
Protein change: p.Arg139=; no amino-acid change (arginine 139 retained).
Molecular consequence: synonymous variant.
Genome position (GRCh38, 1-based): chr16:30,961,437, T>A. VCF-style: chr16-30961437-T-A. GRCh37 (hg19) VCF-style: chr16-30972758-T-A.
Identifiers: ClinVar variation 4873024 (VCV004873024.2).